The following is an entry in ClinVar:

ClinVar aggregate classification (germline): Pathogenic/Likely pathogenic. Review status: criteria provided, multiple submitters, no conflicts (2 of 4 stars). 3 submissions from 3 submitters: Pathogenic (1); Likely pathogenic (1). 1 of the submissions does not count toward it. Last evaluated 2023-12-01.

Conditions:
EIF2B2-related disorders.
Premature menopause. Identifiers: MedGen C0025322, MONDO:0001119.

Allele frequency attached by ClinVar (database versions not stated): ExAC 0.00001; gnomAD 0.00001; gnomAD exomes below 0.00001.
gnomAD v4.1: 13 of 1,610,740 alleles (0.00081%); highest among the groups gnomAD compares: East Asian, 0.0022%; no homozygotes.

Submissions (3):

Labcorp Genetics (formerly Invitae), Labcorp
Classification: Pathogenic. Last evaluated: 2023-12-01. Review status: criteria provided, single submitter. Criteria: Invitae Variant Classification Sherloc (09022015). Collection method: clinical testing. Allele origin: germline.
Comment: This sequence change creates a premature translational stop signal (p.Arg172*) in the EIF2B2 gene. It is expected to result in an absent or disrupted protein product. Loss-of-function variants in EIF2B2 are known to be pathogenic (PMID: 11704758, 12707859). This variant is present in population databases (rs758398310, gnomAD 0.006%). This premature translational stop signal has been observed in individual(s) with premature ovarian insufficiency (PMID: 29706645). ClinVar contains an entry for this variant (Variation ID: 495049). For these reasons, this variant has been classified as Pathogenic.

Blueprint Genetics
Classification: Likely pathogenic for EIF2B2-related disorders. Last evaluated: 2022-08-12. Review status: criteria provided, single submitter. Criteria: ACMG Guidelines, 2015. Collection method: clinical testing. Allele origin: germline. Affected: yes. Observed: 1 variant allele.

Reproductive Development, Murdoch Childrens Research Institute
Classification: Pathogenic for Premature ovarian insufficiency. Last evaluated: 2017-01-15. Review status: no assertion criteria provided. Collection method: research. Allele origin: maternal, unknown. Affected: yes and no. Observed: 1 heterozygote, 1 compound heterozygote. Not counted in ClinVar's aggregate classification.

Literature cited by the submitters: PubMed 11704758 (cited by Labcorp Genetics (formerly Invitae), Labcorp); PubMed 12707859 (cited by Labcorp Genetics (formerly Invitae), Labcorp); PubMed 29706645 (cited by Labcorp Genetics (formerly Invitae), Labcorp and Reproductive Development, Murdoch Childrens Research Institute).

NM_014239.4(EIF2B2):c.514C>T (p.Arg172Ter)

Gene: EIF2B2 (eukaryotic translation initiation factor 2B subunit beta; plus strand). Cytogenetic location: 14q24.3.
Variant type: single nucleotide variant.
Coding change: c.514C>T on transcript NM_014239.4 (MANE Select); coding-DNA position 514, C replaced by T.
Protein change: p.Arg172Ter; replaces arginine 172 with a stop codon.
Molecular consequence: nonsense.
Genome position (GRCh38, 1-based): chr14:75,004,817, C>T. VCF-style: chr14-75004817-C-T. GRCh37 (hg19) VCF-style: chr14-75471520-C-T.
Other names: short protein forms R172*.
Identifiers: ClinVar variation 495049 (VCV000495049.10), dbSNP rs758398310, ClinGen allele CA7274965.